The following is an entry in ClinVar:

NM_001080477.4(TENM3):c.512-9_512-4del

Gene: TENM3 (teneurin transmembrane protein 3; plus strand). Cytogenetic location: 4q35.1.
Variant type: Deletion.
Coding change: c.512-9_512-4del on transcript NM_001080477.4 (MANE Select); 9 bases into the intron before coding-DNA position 512 through 4 bases into the intron before coding-DNA position 512, 6 bases deleted (TTTTTT; older notation c.512-9_512-4delTTTTTT).
Molecular consequence: intron variant.
Genome position (GRCh38, 1-based): chr4:182,600,915-182,600,920, TTTTTT deleted; deleting any 6 consecutive bases within chr4:182,600,898-182,600,920 gives the same sequence; the c. name uses the placement nearest the transcript's 3' end. VCF-style (leftmost placement, unchanged base first): chr4-182600897-CTTTTTT-C. GRCh37 (hg19) VCF-style: chr4-183522050-CTTTTTT-C.
Other names: c.512-9_512-4del (NM_001415969.1, NM_001415971.1, NM_001415974.1 and 4 more transcripts); c.233-9_233-4del (NM_001415976.1, NM_001415967.1, NM_001415977.1 and 1 more transcripts); c.-305-9_-305-4del (NM_001415960.1, NM_001415961.1, NM_001415962.1 and 2 more transcripts).
Identifiers: ClinVar variation 3038569 (VCV003038569.2), dbSNP rs548783934, ClinGen allele CA791979624.

ClinVar aggregate classification (germline): Likely benign (0 of 4 stars; one submission).

Conditions:
TENM3-related disorder. Also called: TENM3-related condition.

Submission:

PreventionGenetics, part of Exact Sciences
Classification: Likely benign for TENM3-related condition. Last evaluated: 2019-07-11. Review status: no assertion criteria provided. Collection method: clinical testing. Allele origin: germline.
Comment: This variant is classified as likely benign based on ACMG/AMP sequence variant interpretation guidelines (Richards et al. 2015 PMID: 25741868, with internal and published modifications).